The following is an entry in ClinVar:

ClinVar aggregate classification (germline): Pathogenic. Review status: criteria provided, multiple submitters, no conflicts (2 of 4 stars). 5 submissions from 5 submitters: Pathogenic (3). 2 of the submissions do not count toward it. Last evaluated 2025-06-19.

Conditions:
Hereditary cancer-predisposing syndrome. Also called: Hereditary Cancer Syndrome; Hereditary neoplastic syndrome; Neoplastic Syndromes, Hereditary; Tumor predisposition. Identifiers: Orphanet 140162, MedGen C0027672, MeSH D009386, MONDO:0015356.
Familial adenomatous polyposis 1 (FAP1). Also called: FAMILIAL ADENOMATOUS POLYPOSIS 1, ATTENUATED; POLYPOSIS, ADENOMATOUS INTESTINAL. Identifiers: MedGen C2713442, MONDO:0021056, OMIM 175100. Disease mechanism: loss of function.

Submissions (5):

Labcorp Genetics (formerly Invitae), Labcorp
Classification: Pathogenic for Familial adenomatous polyposis 1. Last evaluated: 2025-06-19. Review status: criteria provided, single submitter. Criteria: Invitae Variant Classification Sherloc (09022015). Collection method: clinical testing. Allele origin: germline.
Comment: This sequence change creates a premature translational stop signal (p.Trp1049*) in the APC gene. While this is not anticipated to result in nonsense mediated decay, it is expected to disrupt the last 1795 amino acid(s) of the APC protein. This variant is not present in population databases (gnomAD no frequency). This premature translational stop signal has been observed in individual(s) with clinical features of familial adenomatous polyposis (PMID: 11247896, 12010888, 15311282, 17293347, 20223039, 20685668, 20924072, 21110124). ClinVar contains an entry for this variant (Variation ID: 217964). This variant is expected to disrupt the EB1 and HDLG binding sites, which mediate interactions with the cytoskeleton (PMID: 15311282, 17293347). While functional studies have not been performed to directly test the effect on APC protein function, this suggests that disruption of the C-terminal portion of the protein is functionally important. A different truncation (p.Tyr2645Lysfs*14) that lies downstream of this variant has been determined to be pathogenic (PMID: 9824584, 1316610, 27081525, 8381579, 22135120, internal data). This suggests that deletion of this region of the APC protein is causative of disease. For these reasons, this variant has been classified as Pathogenic.

Myriad Genetics, Inc.
Classification: Pathogenic for Familial adenomatous polyposis 1. Last evaluated: 2023-05-05. Review status: criteria provided, single submitter. Criteria: Myriad Autosomal Dominant, Autosomal Recessive and X-Linked Classification Criteria (2023). Collection method: clinical testing. Allele origin: unknown.
Comment: This variant is considered pathogenic. This variant creates a termination codon and is predicted to result in premature protein truncation.

Ambry Genetics
Classification: Pathogenic for Hereditary cancer-predisposing syndrome. Last evaluated: 2022-02-08. Review status: criteria provided, single submitter. Criteria: Ambry Variant Classification Scheme 2023. Collection method: clinical testing. Allele origin: germline.
Comment: The p.W1049* pathogenic mutation (also known as c.3147G>A), located in coding exon 15 of the APC gene, results from a G to A substitution at nucleotide position 3147. This changes the amino acid from a tryptophan to a stop codon within coding exon 15. This alteration occurs at the 3' terminus of theAPC gene, is not expected to trigger nonsense-mediated mRNA decay, and impacts the last 1793 amino acids of the protein. However, premature stop codons are typically deleterious in nature and a significant portion of the protein is affected (Ambry internal data). This alteration has been identified in an individual with colorectal polyposis (Friedl W, et al. Hered Cancer Clin Pract 2005 ; 3(3):95-114). This variant is considered to be rare based on population cohorts in the Genome Aggregation Database (gnomAD). Based on the supporting evidence, this alteration is interpreted as a disease-causing mutation.

Department of Pathology and Laboratory Medicine, Sinai Health System
Classification: Uncertain significance. Review status: no assertion criteria provided. Collection method: clinical testing. Allele origin: unknown. Affected: yes. Observed: 2 variant alleles. Study: The Canadian Open Genetics Repository (COGR). Not counted in ClinVar's aggregate classification.

Mayo Clinic Laboratories, Mayo Clinic
Classification: Pathogenic. Review status: no assertion criteria provided. Collection method: research. Allele origin: unknown. Observed: 2 variant alleles. Not counted in ClinVar's aggregate classification.

Literature cited by the submitters: PubMed 11247896 (cited by Labcorp Genetics (formerly Invitae), Labcorp); PubMed 12010888 (cited by Labcorp Genetics (formerly Invitae), Labcorp and Ambry Genetics); PubMed 15311282 (cited by Labcorp Genetics (formerly Invitae), Labcorp); PubMed 17293347 (cited by Labcorp Genetics (formerly Invitae), Labcorp); PubMed 20223039 (cited by Labcorp Genetics (formerly Invitae), Labcorp and Ambry Genetics); PubMed 20685668 (cited by Labcorp Genetics (formerly Invitae), Labcorp); PubMed 20924072 (cited by Labcorp Genetics (formerly Invitae), Labcorp); PubMed 21110124 (cited by Labcorp Genetics (formerly Invitae), Labcorp); PubMed 9824584 (cited by Labcorp Genetics (formerly Invitae), Labcorp); PubMed 1316610 (cited by Labcorp Genetics (formerly Invitae), Labcorp); PubMed 27081525 (cited by Labcorp Genetics (formerly Invitae), Labcorp); PubMed 8381579 (cited by Labcorp Genetics (formerly Invitae), Labcorp); PubMed 22135120 (cited by Labcorp Genetics (formerly Invitae), Labcorp).

NM_000038.6(APC):c.3147G>A (p.Trp1049Ter)

Gene: APC (APC regulator of Wnt signaling pathway; plus strand). Cytogenetic location: 5q22.2.
Variant type: single nucleotide variant.
Coding change: c.3147G>A on transcript NM_000038.6 (MANE Select); coding-DNA position 3147, G replaced by A.
Protein change: p.Trp1049Ter; replaces tryptophan 1049 with a stop codon.
Molecular consequence: nonsense.
Genome position (GRCh38, 1-based): chr5:112,838,741, G>A. VCF-style: chr5-112838741-G-A. GRCh37 (hg19) VCF-style: chr5-112174438-G-A.
Other names: c.3147G>A, p.Trp1049Ter (NM_001127510.3, NM_001354895.2); c.3093G>A, p.Trp1031Ter (NM_001127511.3); c.3201G>A, p.Trp1067Ter (NM_001354896.2); c.3177G>A, p.Trp1059Ter (NM_001354897.2); c.3072G>A, p.Trp1024Ter (NM_001354898.2); c.3063G>A, p.Trp1021Ter (NM_001354899.2); c.3024G>A, p.Trp1008Ter (NM_001354900.2); c.2970G>A, p.Trp990Ter (NM_001354901.2); and 5 more; short protein forms W1031*, W1049*, W766*, W923*, W958*, W990*, W1024*, W1059*.
Identifiers: ClinVar variation 217964 (VCV000217964.21), dbSNP rs863225340, ClinGen allele CA279705.